The following is an entry in ClinVar:

ClinVar aggregate classification (germline): Uncertain significance. Review status: criteria provided, multiple submitters, no conflicts (2 of 4 stars). 7 submissions from 7 submitters: Uncertain significance (7). Last evaluated 2025-09-04.

Conditions:
ATM-related disorder. Also called: ATM-related disorders; ATM-related condition.
Ataxia-telangiectasia syndrome (AT). Also called: Ataxia-telangiectasia, complementation group D; AT, COMPLEMENTATION GROUP C; ATAXIA-TELANGIECTASIA, COMPLEMENTATION GROUP A; ATAXIA-TELANGIECTASIA, FRESNO VARIANT; Ataxia-telangiectasia; LOUIS-BAR SYNDROME. Identifiers: Orphanet 100, MedGen C0004135, MONDO:0008840, OMIM 208900.
Malignant tumor of breast. Also called: Cancer breast; Malignant breast neoplasm. Identifiers: MedGen C0006142, MONDO:0007254. Disease mechanism: loss of function.
Hereditary cancer-predisposing syndrome. Also called: Hereditary Cancer Syndrome; Neoplastic Syndromes, Hereditary; Tumor predisposition; Hereditary neoplastic syndrome. Identifiers: Orphanet 140162, MedGen C0027672, MeSH D009386, MONDO:0015356.
Familial cancer of breast. Also called: BREAST CANCER, FAMILIAL; Hereditary breast cancer; hereditary breast carcinoma. Identifiers: Orphanet 227535, MedGen C0346153, MONDO:0016419, OMIM 114480. Disease mechanism: loss of function.

gnomAD v4.1: 19 of 1,612,598 alleles (0.0012%); highest among the groups gnomAD compares: Non-Finnish European, 0.0016%; no homozygotes.

Submissions (7):

Ambry Genetics
Classification: Uncertain significance for Hereditary cancer-predisposing syndrome. Last evaluated: 2025-09-04. Review status: criteria provided, single submitter. Criteria: Ambry Variant Classification Scheme 2023. Collection method: clinical testing. Allele origin: germline.
Comment: The p.R1262I variant (also known as c.3785G>T), located in coding exon 25 of the ATM gene, results from a G to T substitution at nucleotide position 3785. The arginine at codon 1262 is replaced by isoleucine, an amino acid with similar properties. This amino acid position is well conserved in available vertebrate species. In addition, the in silico prediction for this alteration is inconclusive. Based on the available evidence, the clinical significance of this variant remains unclear.

Labcorp Genetics (formerly Invitae), Labcorp
Classification: Uncertain significance for Ataxia-telangiectasia syndrome. Last evaluated: 2025-06-04. Review status: criteria provided, single submitter. Criteria: Invitae Variant Classification Sherloc (09022015). Collection method: clinical testing. Allele origin: germline.
Comment: This sequence change replaces arginine, which is basic and polar, with isoleucine, which is neutral and non-polar, at codon 1262 of the ATM protein (p.Arg1262Ile). This variant is not present in population databases (gnomAD no frequency). This missense change has been observed in individual(s) with pancreatic cancer (PMID: 35047863). ClinVar contains an entry for this variant (Variation ID: 187291). Invitae Evidence Modeling of protein sequence and biophysical properties (such as structural, functional, and spatial information, amino acid conservation, physicochemical variation, residue mobility, and thermodynamic stability) indicates that this missense variant is not expected to disrupt ATM protein function with a negative predictive value of 95%. In summary, the available evidence is currently insufficient to determine the role of this variant in disease. Therefore, it has been classified as a Variant of Uncertain Significance.

Color Diagnostics, LLC DBA Color Health
Classification: Uncertain significance for Hereditary cancer-predisposing syndrome. Last evaluated: 2024-03-06. Review status: criteria provided, single submitter. Criteria: ACMG Guidelines, 2015. Collection method: clinical testing. Allele origin: germline.
Comment: This missense variant replaces arginine with isoleucine at codon 1262 of the ATM protein. Computational prediction suggests that this variant may not impact protein structure and function (internally defined REVEL score threshold <= 0.5, PMID: 27666373). To our knowledge, functional studies have not been reported for this variant. This variant has not been reported in individuals affected with hereditary cancer in the literature. This variant has not been identified in the general population by the Genome Aggregation Database (gnomAD). The available evidence is insufficient to determine the role of this variant in disease conclusively. Therefore, this variant is classified as a Variant of Uncertain Significance.

GeneDx
Classification: Uncertain significance. Last evaluated: 2024-02-05. Review status: criteria provided, single submitter. Criteria: GeneDx Variant Classification Process June 2021. Collection method: clinical testing. Allele origin: germline. Affected: yes.
Comment: Not observed at significant frequency in large population cohorts (gnomAD); In silico analysis supports that this missense variant does not alter protein structure/function; Has not been previously published as pathogenic or benign to our knowledge; This variant is associated with the following publications: (PMID: 35047863)

Quest Diagnostics Nichols Institute San Juan Capistrano
Classification: Uncertain significance. Last evaluated: 2023-12-06. Review status: criteria provided, single submitter. Criteria: Quest Diagnostics criteria. Collection method: clinical testing. Allele origin: unknown.

Baylor Genetics
Classification: Uncertain significance for Familial cancer of breast. Last evaluated: 2023-08-01. Review status: criteria provided, single submitter. Criteria: ACMG Guidelines, 2015. Collection method: clinical testing. Allele origin: unknown.

PreventionGenetics, part of Exact Sciences
Classification: Uncertain significance for ATM-related condition. Last evaluated: 2023-02-20. Review status: criteria provided, single submitter. Criteria: ACMG Guidelines, 2015. Collection method: clinical testing. Allele origin: germline.
Comment: The ATM c.3785G>T variant is predicted to result in the amino acid substitution p.Arg1262Ile. This variant was reported in a study of individuals with pancreatic cancer (R1626I, Figure 2B, Yu et al. 2022. PubMed ID: 35047863). This variant has not been reported in a large population database, indicating this variant is rare, and is interpreted as a variant of uncertain significance in ClinVar. At this time, the clinical significance of this variant is uncertain due to the absence of conclusive functional and genetic evidence.

Literature cited by the submitters: PubMed 35047863 (cited by Labcorp Genetics (formerly Invitae), Labcorp and Quest Diagnostics Nichols Institute San Juan Capistrano).

NM_000051.4(ATM):c.3785G>T (p.Arg1262Ile)

Gene: ATM (ATM serine/threonine kinase; plus strand). Cytogenetic location: 11q22.3.
Variant type: single nucleotide variant.
Coding change: c.3785G>T on transcript NM_000051.4 (MANE Select); coding-DNA position 3785, G replaced by T.
Protein change: p.Arg1262Ile; replaces arginine 1262 with isoleucine.
Molecular consequence: missense variant.
Genome position (GRCh38, 1-based): chr11:108,284,265, G>T. VCF-style: chr11-108284265-G-T. GRCh37 (hg19) VCF-style: chr11-108154992-G-T.
Other names: c.3785G>T, p.Arg1262Ile (NM_001351834.2); short protein forms R1262I.
Identifiers: ClinVar variation 187291 (VCV000187291.42), dbSNP rs786203618, ClinGen allele CA197261.
Genomic context (GRCh38, chr11:108,284,265, plus strand): 5'-TTTTAAATTTTTCTATTTTTAGATCTTGTTATAAGGTTTTGATTCCACATCTGGTGATTA[G>T]AAGTCATTTTGATGAGGTGAAGTCCATTGCTAATCAGATTCAAGAGGACTGGAAAAGTCT-3'
Protein context (NP_000042.3, residues 1252-1272): YKVLIPHLVI[Arg1262Ile]SHFDEVKSIA